The following is an entry in ClinVar:

NM_001367823.1(ARHGEF18):c.1759G>A (p.Val587Met)

Gene: ARHGEF18 (Rho/Rac guanine nucleotide exchange factor 18; plus strand). Cytogenetic location: 19p13.2.
Variant type: single nucleotide variant.
Coding change: c.1759G>A on transcript NM_001367823.1 (MANE Select); coding-DNA position 1759, G replaced by A.
Protein change: p.Val587Met; replaces valine 587 with methionine.
Molecular consequence: missense variant.
Genome position (GRCh38, 1-based): chr19:7,451,170, G>A. VCF-style: chr19-7451170-G-A. GRCh37 (hg19) VCF-style: chr19-7516056-G-A.
Other names: c.1033G>A, p.Val345Met (NM_001130955.2); c.721G>A, p.Val241Met (NM_001367824.1, NM_015318.4); short protein forms V241M, V345M, V587M.
Identifiers: ClinVar variation 1357185 (VCV001357185.5), dbSNP rs560453300, ClinGen allele CA9136600.
Genomic context (GRCh38, chr19:7,451,170, plus strand): 5'-CTGAGATGTTAATACAGGATCTTGCTTTCTGTTTCCTAGAAAATTGGCAACTTCTCCATC[G>A]TGCGGCGGCTTGGCGTGCAGGAGTGCATTCTCCTGGTTACACAACGCATAACCAAATACC-3'
Protein context (NP_001354752.1, residues 577-597): LIKKIGNFSI[Val587Met]RRLGVQECIL

ClinVar aggregate classification (germline): Uncertain significance (1 of 4 stars; one submission).

Allele frequency attached by ClinVar (database versions not stated): ExAC 0.00002; gnomAD exomes 0.00003; 1000 Genomes Project 30x 0.00016; 1000 Genomes Project 0.00020.
gnomAD v4.1: 40 of 1,568,804 alleles (0.0025%); highest among the groups gnomAD compares: East Asian, 0.0069%; no homozygotes.

Submission:

Labcorp Genetics (formerly Invitae), Labcorp
Classification: Uncertain significance. Last evaluated: 2022-07-12. Review status: criteria provided, single submitter. Criteria: Invitae Variant Classification Sherloc (09022015). Collection method: clinical testing. Allele origin: germline.
Comment: This sequence change replaces valine, which is neutral and non-polar, with methionine, which is neutral and non-polar, at codon 399 of the ARHGEF18 protein (p.Val399Met). This variant is present in population databases (rs560453300, gnomAD 0.006%). This variant has not been reported in the literature in individuals affected with ARHGEF18-related conditions. ClinVar contains an entry for this variant (Variation ID: 1357185). Algorithms developed to predict the effect of missense changes on protein structure and function are either unavailable or do not agree on the potential impact of this missense change (SIFT: "Deleterious"; PolyPhen-2: "Probably Damaging"; Align-GVGD: "Class C0"). In summary, the available evidence is currently insufficient to determine the role of this variant in disease. Therefore, it has been classified as a Variant of Uncertain Significance.